The following is an entry in ClinVar:

NM_006013.5(RPL10):c.467A>C (p.Lys156Thr)

Gene: RPL10 (ribosomal protein L10; plus strand). Cytogenetic location: Xq28.
Variant type: single nucleotide variant.
Coding change: c.467A>C on transcript NM_006013.5 (MANE Select); coding-DNA position 467, A replaced by C.
Protein change: p.Lys156Thr; replaces lysine 156 with threonine.
Molecular consequence: missense variant. On other transcripts: 3 prime UTR variant (1), intron variant (1).
Genome position (GRCh38, 1-based): chrX:154,400,601, A>C. VCF-style: chrX-154400601-A-C. GRCh37 (hg19) VCF-style: chrX-153628942-A-C.
Other names: c.359A>C, p.Lys120Thr (NM_001256580.2); c.467A>C, p.Lys156Thr (NM_001303624.2, NM_001303625.1); c.*18A>C (NM_001303626.1); c.330-101A>C (NM_001256577.2); short protein forms K120T, K156T.
Identifiers: ClinVar variation 1311386 (VCV001311386.2), dbSNP rs2148140745, ClinGen allele CA415261739.

ClinVar aggregate classification (germline): Uncertain significance (1 of 4 stars; one submission).

Submission:

GeneDx
Classification: Uncertain significance. Last evaluated: 2021-01-18. Review status: criteria provided, single submitter. Criteria: GeneDx Variant Classification Process June 2021. Collection method: clinical testing. Allele origin: germline. Affected: yes.
Comment: Not observed in large population cohorts (Lek et al., 2016); In silico analysis supports that this missense variant has a deleterious effect on protein structure/function; Has not been previously published as pathogenic or benign to our knowledge